The following is an entry in ClinVar:

ClinVar aggregate classification (germline): Uncertain significance. Review status: criteria provided, multiple submitters, no conflicts (2 of 4 stars). 3 submissions from 3 submitters: Uncertain significance (3). Last evaluated 2022-02-09.

Conditions:
History of neurodevelopmental disorder. Identifiers: MedGen C2711754.
Lesch-Nyhan syndrome (LNS). Also called: Lesch-Nyhan Disease (LND); HPRT DEFICIENCY, COMPLETE. Identifiers: Orphanet 510, MedGen C0023374, MONDO:0010298, OMIM 300322.
Partial hypoxanthine-guanine phosphoribosyltransferase deficiency. Also called: HPRT1 DEFICIENCY, PARTIAL; HYPOXANTHINE GUANINE PHOSPHORIBOSYLTRANSFERASE 1 DEFICIENCY, PARTIAL; Kelley-Seegmiller Syndrome; GOUT, HPRT-RELATED; HPRT DEFICIENCY, PARTIAL. Identifiers: Orphanet 79233, MedGen C0268117, MONDO:0010299, OMIM 300323.

Allele frequency attached by ClinVar (database versions not stated): gnomAD exomes 0.00002 and 0.00008; ExAC 0.00005; gnomAD 0.00007.
gnomAD v4.1: 82 of 1,101,529 alleles (0.0074%); highest among the groups gnomAD compares: Non-Finnish European, 0.0097%; no homozygotes.

Submissions (3):

Fulgent Genetics
Classification: Uncertain significance for Lesch-Nyhan syndrome; Partial hypoxanthine-guanine phosphoribosyltransferase deficiency. Last evaluated: 2022-02-09. Review status: criteria provided, single submitter. Criteria: ACMG Guidelines, 2015. Collection method: clinical testing. Allele origin: unknown.

Ambry Genetics
Classification: Uncertain significance for History of neurodevelopmental disorder. Last evaluated: 2017-05-24. Review status: criteria provided, single submitter. Criteria: Ambry Autosomal Dominant and X-Linked criteria (3/2017). Collection method: clinical testing. Allele origin: germline. Observed: 1 variant allele.
Comment: There is insufficient or conflicting evidence for classification of this alteration.

Genetic Services Laboratory, University of Chicago
Classification: Uncertain significance. Last evaluated: 2016-06-28. Review status: criteria provided, single submitter. Criteria: ACMG Guidelines, 2015. Collection method: clinical testing. Allele origin: germline. Affected: no.

NM_000194.3(HPRT1):c.325C>A (p.Gln109Lys)

Gene: HPRT1 (hypoxanthine phosphoribosyltransferase 1; plus strand). Cytogenetic location: Xq26.2.
Variant type: single nucleotide variant.
Coding change: c.325C>A on transcript NM_000194.3 (MANE Select); coding-DNA position 325, C replaced by A.
Protein change: p.Gln109Lys; replaces glutamine 109 with lysine.
Molecular consequence: missense variant.
Genome position (GRCh38, 1-based): chrX:134,486,471, C>A. VCF-style: chrX-134486471-C-A. GRCh37 (hg19) VCF-style: chrX-133620501-C-A.
Other names: short protein forms Q109K.
Identifiers: ClinVar variation 435445 (VCV000435445.10), dbSNP rs137852489, ClinGen allele CA10521368.